The following is an entry in ClinVar:

ClinVar aggregate classification (germline): Uncertain significance. Review status: criteria provided, multiple submitters, no conflicts (2 of 4 stars). 2 submissions from 2 submitters: Uncertain significance (2). Last evaluated 2025-09-29.

Conditions:
Melanoma, cutaneous malignant, susceptibility to, 5. Also called: Cutaneous malignant melanoma 5. Identifiers: Orphanet 618, MedGen C2751295, MONDO:0013133, OMIM 613099.

Submissions (2):

Labcorp Genetics (formerly Invitae), Labcorp
Classification: Uncertain significance for Melanoma, cutaneous malignant, susceptibility to, 5. Last evaluated: 2025-09-29. Review status: criteria provided, single submitter. Criteria: Invitae Variant Classification Sherloc (09022015). Collection method: clinical testing. Allele origin: germline.
Comment: This sequence change replaces serine, which is neutral and polar, with asparagine, which is neutral and polar, at codon 176 of the MC1R protein (p.Ser176Asn). This variant is not present in population databases (gnomAD no frequency). This variant has not been reported in the literature in individuals affected with MC1R-related conditions. ClinVar contains an entry for this variant (Variation ID: 3871116). Invitae Evidence Modeling of protein sequence and biophysical properties (such as structural, functional, and spatial information, amino acid conservation, physicochemical variation, residue mobility, and thermodynamic stability) indicates that this missense variant is not expected to disrupt MC1R protein function with a negative predictive value of 80%. In summary, the available evidence is currently insufficient to determine the role of this variant in disease. Therefore, it has been classified as a Variant of Uncertain Significance.

Ambry Genetics
Classification: Uncertain significance. Last evaluated: 2025-02-15. Review status: criteria provided, single submitter. Criteria: Ambry Variant Classification Scheme 2023. Collection method: clinical testing. Allele origin: germline.
Comment: The p.S176N variant (also known as c.527G>A), located in coding exon 1 of the MC1R gene, results from a G to A substitution at nucleotide position 527. The serine at codon 176 is replaced by asparagine, an amino acid with highly similar properties. This amino acid position is conserved. In addition, this alteration is predicted to be tolerated by in silico analysis. Based on the available evidence, the clinical significance of this variant remains unclear.

NM_002386.4(MC1R):c.527G>A (p.Ser176Asn)

Gene: MC1R (melanocortin 1 receptor; plus strand). Cytogenetic location: 16q24.3.
Variant type: single nucleotide variant.
Coding change: c.527G>A on transcript NM_002386.4 (MANE Select); coding-DNA position 527, G replaced by A.
Protein change: p.Ser176Asn; replaces serine 176 with asparagine.
Molecular consequence: missense variant.
Genome position (GRCh38, 1-based): chr16:89,919,785, G>A. VCF-style: chr16-89919785-G-A. GRCh37 (hg19) VCF-style: chr16-89986193-G-A.
Other names: short protein forms S176N.
Identifiers: ClinVar variation 3871116 (VCV003871116.2).